The following is an entry in ClinVar:

NM_170784.3(MKKS):c.893A>G (p.His298Arg)

Gene: MKKS (MKKS centrosomal shuttling protein; minus strand). Cytogenetic location: 20p12.2.
Variant type: single nucleotide variant.
Coding change: c.893A>G on transcript NM_170784.3 (MANE Select); coding-DNA position 893, A replaced by G.
Protein change: p.His298Arg; replaces histidine 298 with arginine.
Molecular consequence: missense variant.
Genome position (GRCh38, 1-based): chr20:10,412,622, T>C on the plus strand (A>G on the coding strand, the complement: MKKS is on the minus strand). VCF-style: chr20-10412622-T-C. GRCh37 (hg19) VCF-style: chr20-10393270-T-C.
Other names: c.893A>G, p.His298Arg (NM_018848.3); short protein forms H298R.
Identifiers: ClinVar variation 4852422 (VCV004852422.1).

ClinVar aggregate classification (germline): Uncertain significance (1 of 4 stars; one submission).

Conditions:
McKusick-Kaufman syndrome (MKKS). Also called: HYDROMETROCOLPOS SYNDROME; HYDROMETROCOLPOS, POSTAXIAL POLYDACTYLY, AND CONGENITAL HEART MALFORMATION. Identifiers: Orphanet 2473, MedGen C0948368, MONDO:0009367, OMIM 236700.

gnomAD v4.1: 1 of 1,614,192 alleles (0.000062%); highest among the groups gnomAD compares: Non-Finnish European, 0.000085%; no homozygotes.

Submission:

Department of Genetics, Sultan Qaboos University Hospital
Classification: Uncertain significance for McKusick-Kaufman syndrome. Last evaluated: 2026-04-01. Review status: criteria provided, single submitter. Criteria: ACMG Guidelines, 2015. Collection method: clinical testing. Allele origin: germline. Affected: yes. Observed: 1 variant allele.
Comment: PM2_Supporting, PP3_Supporting